The following is an entry in ClinVar:

NM_001267550.2(TTN):c.51832_51840del (p.Thr17278_Thr17280del)

Genes: TTN (titin; minus strand), TTN-AS1 (TTN antisense RNA 1; plus strand). Cytogenetic location: 2q31.2.
Variant type: Deletion.
Coding change: c.51832_51840del on transcript NM_001267550.2 (MANE Select); coding-DNA positions 51832 to 51840, 9 bases deleted (ACTATTACA; older notation c.51832_51840delACTATTACA).
Protein change: p.Thr17278_Thr17280del.
Molecular consequence: inframe deletion.
Genome position (GRCh38, 1-based): chr2:178,609,470-178,609,478, TGTAATAGT deleted on the plus strand (ACTATTACA on the coding strand, the reverse complement: TTN is on the minus strand); deleting any 9 consecutive bases within chr2:178,609,470-178,609,480 gives the same sequence; the c. name uses the placement nearest the transcript's 3' end. VCF-style (leftmost placement, unchanged base first): chr2-178609469-ATGTAATAGT-A. GRCh37 (hg19) VCF-style: chr2-179474196-ATGTAATAGT-A.
Other names: c.46909_46917del, p.Thr15637_Thr15639del (NM_001256850.1); c.24637_24645del, p.Thr8213_Thr8215del (NM_003319.4); c.44128_44136del, p.Thr14710_Thr14712del (NM_133378.4); c.25012_25020del, p.Thr8338_Thr8340del (NM_133432.3); c.25213_25221del, p.Thr8405_Thr8407del (NM_133437.4); c.51832_51840del9 (NM_001267550.2).
Identifiers: ClinVar variation 2629764 (VCV002629764.1), dbSNP rs2470390226, ClinGen allele CA2577171221.

ClinVar aggregate classification (germline): Uncertain significance (1 of 4 stars; one submission).

Conditions:
TTN-related disorder. Also called: TTN-related condition; TTN-related disease; TTN-related disorders.

Submission:

PreventionGenetics, part of Exact Sciences
Classification: Uncertain significance for TTN-related condition. Last evaluated: 2022-12-16. Review status: criteria provided, single submitter. Criteria: ACMG Guidelines, 2015. Collection method: clinical testing. Allele origin: germline.
Comment: The TTN c.51832_51840del9 variant is predicted to result in an in-frame deletion (p.Thr17278_Thr17280del). To our knowledge, this variant has not been reported in the literature or in a large population database, indicating this variant is rare. At this time, the clinical significance of this variant is uncertain due to the absence of conclusive functional and genetic evidence.